The following is an entry in ClinVar:

ClinVar aggregate classification (germline): Uncertain significance (1 of 4 stars; one submission).

Conditions:
Inborn genetic diseases. Identifiers: MedGen C0950123, MeSH D030342.

Submission:

Ambry Genetics
Classification: Uncertain significance for Inborn genetic diseases. Last evaluated: 2026-07-05. Review status: criteria provided, single submitter. Criteria: Ambry Variant Classification Scheme 2023. Collection method: clinical testing. Allele origin: germline.
Comment: The p.F416Y variant (also known as c.1247T>A), located in coding exon 8 of the RUNX1 gene, results from a T to A substitution at nucleotide position 1247. The phenylalanine at codon 416 is replaced by tyrosine, an amino acid with highly similar properties. This amino acid position is conserved. In addition, this alteration is predicted to be tolerated by in silico analysis. Based on the available evidence, the clinical significance of this variant remains unclear.

NM_001754.5(RUNX1):c.1247T>A (p.Phe416Tyr)

Gene: RUNX1 (RUNX family transcription factor 1; minus strand). Cytogenetic location: 21q22.12.
Variant type: single nucleotide variant.
Coding change: c.1247T>A on transcript NM_001754.5 (MANE Select); coding-DNA position 1247, T replaced by A.
Protein change: p.Phe416Tyr; replaces phenylalanine 416 with tyrosine.
Molecular consequence: missense variant.
Genome position (GRCh38, 1-based): chr21:34,792,331, A>T on the plus strand (T>A on the coding strand, the complement: RUNX1 is on the minus strand). VCF-style: chr21-34792331-A-T. GRCh37 (hg19) VCF-style: chr21-36164628-A-T.
Other names: c.1166T>A, p.Phe389Tyr (NM_001001890.3); short protein forms F416Y, F389Y.
Identifiers: ClinVar variation 5028568 (VCV005028568.1).